The following is an entry in ClinVar:

ClinVar aggregate classification (germline): Uncertain significance. Review status: criteria provided, multiple submitters, no conflicts (2 of 4 stars). 2 submissions from 2 submitters: Uncertain significance (2). Last evaluated 2025-10-22.

Conditions:
Epidermolysis bullosa simplex 5B, with muscular dystrophy (EBS5B). Also called: EPIDERMOLYSIS BULLOSA SIMPLEX AND LIMB-GIRDLE MUSCULAR DYSTROPHY; Epidermolysis bullosa simplex with muscular dystrophy. Identifiers: Orphanet 257, MedGen C2931072, MONDO:0009181, OMIM 226670.
Epidermolysis bullosa simplex 5C, with pyloric atresia (EBS5C). Also called: PLEC1-Related Epidermolysis Bullosa with Pyloric Atresia; PLEC-Related Epidermolysis Bullosa with Pyloric Atresia; Epidermolysis bullosa simplex with pyloric atresia. Identifiers: Orphanet 158684, MedGen C2677349, MONDO:0012807, OMIM 612138.
Epidermolysis bullosa simplex, Ogna type (EBS5A). Also called: Pidermolysis bullosa simplex 5A, Ogna type; EPIDERMOLYSIS BULLOSA SIMPLEX 5A, OGNA TYPE. Identifiers: Orphanet 79401, MedGen C0432317, MONDO:0007555, OMIM 131950.
Autosomal recessive limb-girdle muscular dystrophy type 2Q (LGMDR17). Also called: MUSCULAR DYSTROPHY, LIMB-GIRDLE, AUTOSOMAL RECESSIVE 17. Identifiers: Orphanet 254361, MedGen C3150989, MONDO:0013390, OMIM 613723.
Epidermolysis bullosa simplex with nail dystrophy (EBS5D). Identifiers: MedGen C4225309, MONDO:0014661, OMIM 616487.
Inborn genetic diseases. Identifiers: MedGen C0950123, MeSH D030342.

Allele frequency attached by ClinVar (database versions not stated): gnomAD exomes below 0.00001.
gnomAD v4.1: 2 of 1,597,518 alleles (0.00013%); highest among the groups gnomAD compares: South Asian, 0.0011%; no homozygotes.

Submissions (2):

Ambry Genetics
Classification: Uncertain significance for Inborn genetic diseases. Last evaluated: 2025-10-22. Review status: criteria provided, single submitter. Criteria: Ambry Variant Classification Scheme 2023. Collection method: clinical testing. Allele origin: germline.

Labcorp Genetics (formerly Invitae), Labcorp
Classification: Uncertain significance for Autosomal recessive limb-girdle muscular dystrophy type 2Q; Epidermolysis bullosa simplex, Ogna type; Epidermolysis bullosa simplex with nail dystrophy; Epidermolysis bullosa simplex 5C, with pyloric atresia; Epidermolysis bullosa simplex 5B, with muscular dystrophy. Last evaluated: 2021-10-07. Review status: criteria provided, single submitter. Criteria: Invitae Variant Classification Sherloc (09022015). Collection method: clinical testing. Allele origin: germline.
Comment: This sequence change replaces glutamine with histidine at codon 1259 of the PLEC protein (p.Gln1259His). The glutamine residue is moderately conserved and there is a small physicochemical difference between glutamine and histidine. This variant is not present in population databases (ExAC no frequency). In summary, the available evidence is currently insufficient to determine the role of this variant in disease. Therefore, it has been classified as a Variant of Uncertain Significance. Algorithms developed to predict the effect of missense changes on protein structure and function are either unavailable or do not agree on the potential impact of this missense change (SIFT: "Tolerated"; PolyPhen-2: "Not Available"; Align-GVGD: "Class C0"). This variant has not been reported in the literature in individuals affected with PLEC-related conditions.

NM_201384.3(PLEC):c.3696G>C (p.Gln1232His)

Gene: PLEC (plectin; minus strand). Cytogenetic location: 8q24.3.
Variant type: single nucleotide variant.
Coding change: c.3696G>C on transcript NM_201384.3 (MANE Select); coding-DNA position 3696, G replaced by C.
Protein change: p.Gln1232His; replaces glutamine 1232 with histidine.
Molecular consequence: missense variant.
Genome position (GRCh38, 1-based): chr8:143,927,470, C>G on the plus strand (G>C on the coding strand, the complement: PLEC is on the minus strand). VCF-style: chr8-143927470-C-G. GRCh37 (hg19) VCF-style: chr8-145001638-C-G.
Other names: c.3777G>C, p.Gln1259His (NM_000445.5); c.3654G>C, p.Gln1218His (NM_201378.4); c.3630G>C, p.Gln1210His (NM_201379.3); c.4107G>C, p.Gln1369His (NM_201380.4); c.3600G>C, p.Gln1200His (NM_201381.3); c.3696G>C, p.Gln1232His (NM_201382.4); c.3708G>C, p.Gln1236His (NM_201383.3); c.3777G>C (NM_000445.3); short protein forms Q1369H, Q1232H, Q1236H, Q1200H, Q1218H, Q1210H, Q1259H.
Identifiers: ClinVar variation 1494831 (VCV001494831.7), dbSNP rs1825641725, ClinGen allele CA372565043.